The following is an entry in ClinVar:

ClinVar aggregate classification (germline): Uncertain significance. Review status: criteria provided, multiple submitters, no conflicts (2 of 4 stars). 2 submissions from 2 submitters: Uncertain significance (2). Last evaluated 2025-04-24.

Conditions:
Fanconi anemia (FA). Also called: Fanconi's anemia. Identifiers: Orphanet 84, MedGen C0015625, MeSH D005199, MONDO:0019391.
Inborn genetic diseases. Identifiers: MedGen C0950123, MeSH D030342.

Allele frequency attached by ClinVar (database versions not stated): TOPMed below 0.00001.
gnomAD v4.1: 5 of 1,608,636 alleles (0.00031%); highest among the groups gnomAD compares: African/African-American, 0.0013%; no homozygotes.

Submissions (2):

Ambry Genetics
Classification: Uncertain significance for Inborn genetic diseases. Last evaluated: 2025-04-24. Review status: criteria provided, single submitter. Criteria: Ambry Variant Classification Scheme 2023. Collection method: clinical testing. Allele origin: germline.
Comment: The p.Q41H variant (also known as c.123G>C), located in coding exon 2 of the FANCG gene, results from a G to C substitution at nucleotide position 123. The glutamine at codon 41 is replaced by histidine, an amino acid with highly similar properties. This amino acid position is conserved. In addition, this alteration is predicted to be tolerated by in silico analysis. Based on the available evidence, the clinical significance of this variant remains unclear.

Labcorp Genetics (formerly Invitae), Labcorp
Classification: Uncertain significance for Fanconi anemia. Last evaluated: 2022-03-24. Review status: criteria provided, single submitter. Criteria: Invitae Variant Classification Sherloc (09022015). Collection method: clinical testing. Allele origin: germline.
Comment: This sequence change replaces glutamine, which is neutral and polar, with histidine, which is basic and polar, at codon 41 of the FANCG protein (p.Gln41His). This variant is present in population databases (no rsID available, gnomAD 0.004%). This variant has not been reported in the literature in individuals affected with FANCG-related conditions. Algorithms developed to predict the effect of missense changes on protein structure and function output the following: SIFT: "Tolerated"; PolyPhen-2: "Benign"; Align-GVGD: "Class C0". The histidine amino acid residue is found in multiple mammalian species, which suggests that this missense change does not adversely affect protein function. In summary, the available evidence is currently insufficient to determine the role of this variant in disease. Therefore, it has been classified as a Variant of Uncertain Significance.

NM_004629.2(FANCG):c.123G>C (p.Gln41His)

Gene: FANCG (FA complementation group G; minus strand). Cytogenetic location: 9p13.3.
Variant type: single nucleotide variant.
Coding change: c.123G>C on transcript NM_004629.2 (MANE Select); coding-DNA position 123, G replaced by C.
Protein change: p.Gln41His; replaces glutamine 41 with histidine.
Molecular consequence: missense variant.
Genome position (GRCh38, 1-based): chr9:35,079,203, C>G on the plus strand (G>C on the coding strand, the complement: FANCG is on the minus strand). VCF-style: chr9-35079203-C-G. GRCh37 (hg19) VCF-style: chr9-35079200-C-G.
Other names: short protein forms Q41H.
Identifiers: ClinVar variation 2147456 (VCV002147456.2), dbSNP rs1319799772, ClinGen allele CA373315711.